The following is an entry in ClinVar:

NM_001023.4(RPS20):c.91T>C (p.Ser31Pro)

Gene: RPS20 (ribosomal protein S20; minus strand). Cytogenetic location: 8q12.1.
Variant type: single nucleotide variant.
Coding change: c.91T>C on transcript NM_001023.4 (MANE Select); coding-DNA position 91, T replaced by C.
Protein change: p.Ser31Pro; replaces serine 31 with proline.
Molecular consequence: missense variant.
Genome position (GRCh38, 1-based): chr8:56,074,072, A>G on the plus strand (T>C on the coding strand, the complement: RPS20 is on the minus strand). VCF-style: chr8-56074072-A-G. GRCh37 (hg19) VCF-style: chr8-56986631-A-G.
Other names: c.91T>C, p.Ser31Pro (NM_001146227.3); short protein forms S31P.
Identifiers: ClinVar variation 2562999 (VCV002562999.2), dbSNP rs2486985259, ClinGen allele CA371283693.

ClinVar aggregate classification (germline): Uncertain significance (1 of 4 stars; one submission).

Submission:

Ambry Genetics
Classification: Uncertain significance. Last evaluated: 2023-03-29. Review status: criteria provided, single submitter. Criteria: Ambry Variant Classification Scheme 2023. Collection method: clinical testing. Allele origin: germline.
Comment: The p.S31P variant (also known as c.91T>C), located in coding exon 2 of the RPS20 gene, results from a T to C substitution at nucleotide position 91. The serine at codon 31 is replaced by proline, an amino acid with similar properties. This amino acid position is conserved. In addition, this alteration is predicted to be deleterious by in silico analysis. Since supporting evidence is limited at this time, the clinical significance of this alteration remains unclear.